The following is an entry in ClinVar:

NM_000548.5(TSC2):c.2191G>A (p.Asp731Asn)

Gene: TSC2 (TSC complex subunit 2; plus strand). Cytogenetic location: 16p13.3.
Variant type: single nucleotide variant.
Coding change: c.2191G>A on transcript NM_000548.5 (MANE Select); coding-DNA position 2191, G replaced by A.
Protein change: p.Asp731Asn; replaces aspartic acid 731 with asparagine.
Molecular consequence: missense variant.
Genome position (GRCh38, 1-based): chr16:2,072,334, G>A. VCF-style: chr16-2072334-G-A. GRCh37 (hg19) VCF-style: chr16-2122335-G-A.
Other names: c.2191G>A, p.Asp731Asn (NM_001077183.3, NM_001114382.3, NM_001363528.2 and 3 more transcripts); c.2080G>A, p.Asp694Asn (NM_001318827.2); c.2044G>A, p.Asp682Asn (NM_001318829.2); c.1591G>A, p.Asp531Asn (NM_001318831.2); c.2224G>A, p.Asp742Asn (NM_001318832.2); short protein forms D682N, D731N, D742N, D531N, D694N.
Identifiers: ClinVar variation 965799 (VCV000965799.9), dbSNP rs777308285, ClinGen allele CA394275013.

ClinVar aggregate classification (germline): Uncertain significance (1 of 4 stars; one submission).

Conditions:
Tuberous sclerosis 2 (TSC2). Identifiers: Orphanet 805, MedGen C1860707, MONDO:0013199, OMIM 613254.

Submission:

Labcorp Genetics (formerly Invitae), Labcorp
Classification: Uncertain significance for Tuberous sclerosis 2. Last evaluated: 2019-11-06. Review status: criteria provided, single submitter. Criteria: Invitae Variant Classification Sherloc (09022015). Collection method: clinical testing. Allele origin: germline.
Comment: In summary, the available evidence is currently insufficient to determine the role of this variant in disease. Therefore, it has been classified as a Variant of Uncertain Significance. Algorithms developed to predict the effect of missense changes on protein structure and function are either unavailable or do not agree on the potential impact of this missense change (SIFT: "Deleterious"; PolyPhen-2: "Possibly Damaging"; Align-GVGD: "Class C0"). This variant has not been reported in the literature in individuals with TSC2-related conditions. This variant is not present in population databases (ExAC no frequency). This sequence change replaces aspartic acid with asparagine at codon 731 of the TSC2 protein (p.Asp731Asn). The aspartic acid residue is highly conserved and there is a small physicochemical difference between aspartic acid and asparagine.